The following is an entry in ClinVar:

NM_000051.4(ATM):c.3212A>G (p.Asn1071Ser)

Gene: ATM (ATM serine/threonine kinase; plus strand). Cytogenetic location: 11q22.3.
Variant type: single nucleotide variant.
Coding change: c.3212A>G on transcript NM_000051.4 (MANE Select); coding-DNA position 3212, A replaced by G.
Protein change: p.Asn1071Ser; replaces asparagine 1071 with serine.
Molecular consequence: missense variant.
Genome position (GRCh38, 1-based): chr11:108,272,780, A>G. VCF-style: chr11-108272780-A-G. GRCh37 (hg19) VCF-style: chr11-108143507-A-G.
Other names: c.3212A>G, p.Asn1071Ser (NM_001351834.2); short protein forms N1071S.
Identifiers: ClinVar variation 302246 (VCV000302246.32), dbSNP rs755237639, ClinGen allele CA6265226.

ClinVar aggregate classification (germline): Uncertain significance. Review status: criteria provided, multiple submitters, no conflicts (2 of 4 stars). 8 submissions from 8 submitters: Uncertain significance (7). 1 of the submissions does not count toward it. Last evaluated 2025-12-21.

Conditions:
Hereditary cancer-predisposing syndrome. Also called: Hereditary Cancer Syndrome; Hereditary neoplastic syndrome; Neoplastic Syndromes, Hereditary; Tumor predisposition. Identifiers: Orphanet 140162, MedGen C0027672, MeSH D009386, MONDO:0015356.
Ataxia-telangiectasia syndrome (AT). Also called: Ataxia-telangiectasia, complementation group E; LOUIS-BAR SYNDROME; Cerebello-oculocutaneous telangiectasia; Immunodeficiency with ataxia telangiectasia; Ataxia-telangiectasia, complementation group D; AT, COMPLEMENTATION GROUP C. Identifiers: Orphanet 100, MedGen C0004135, MONDO:0008840, OMIM 208900.
Familial cancer of breast. Also called: hereditary breast carcinoma; BREAST CANCER, FAMILIAL; Hereditary breast cancer. Identifiers: Orphanet 227535, MedGen C0346153, MONDO:0016419, OMIM 114480. Disease mechanism: loss of function.

Allele frequency attached by ClinVar (database versions not stated): gnomAD 0.00002; gnomAD exomes 0.00002; ExAC 0.00003.
gnomAD v4.1: 27 of 1,613,992 alleles (0.0017%); highest among the groups gnomAD compares: South Asian, 0.0011%; no homozygotes.

Submissions (8):

Labcorp Genetics (formerly Invitae), Labcorp
Classification: Uncertain significance for Ataxia-telangiectasia syndrome. Last evaluated: 2025-12-21. Review status: criteria provided, single submitter. Criteria: Invitae Variant Classification Sherloc (09022015). Collection method: clinical testing. Allele origin: germline.
Comment: This sequence change replaces asparagine, which is neutral and polar, with serine, which is neutral and polar, at codon 1071 of the ATM protein (p.Asn1071Ser). This variant is present in population databases (rs755237639, gnomAD 0.03%). This variant has not been reported in the literature in individuals affected with ATM-related conditions. ClinVar contains an entry for this variant (Variation ID: 302246). Invitae Evidence Modeling of protein sequence and biophysical properties (such as structural, functional, and spatial information, amino acid conservation, physicochemical variation, residue mobility, and thermodynamic stability) indicates that this missense variant is not expected to disrupt ATM protein function with a negative predictive value of 95%. RNA analysis performed to evaluate the impact of this missense change on mRNA splicing indicates it does not significantly alter splicing (internal data). In summary, the available evidence is currently insufficient to determine the role of this variant in disease. Therefore, it has been classified as a Variant of Uncertain Significance.

Center for Genomic Medicine, Rigshospitalet, Copenhagen University Hospital
Classification: Uncertain significance. Last evaluated: 2025-03-04. Review status: criteria provided, single submitter. Criteria: ACMG Guidelines, 2015. Collection method: clinical testing. Allele origin: germline.

Ambry Genetics
Classification: Uncertain significance for Hereditary cancer-predisposing syndrome. Last evaluated: 2024-07-02. Review status: criteria provided, single submitter. Criteria: Ambry Variant Classification Scheme 2023. Collection method: clinical testing. Allele origin: germline.
Comment: The p.N1071S variant (also known as c.3212A>G), located in coding exon 21 of the ATM gene, results from an A to G substitution at nucleotide position 3212. The asparagine at codon 1071 is replaced by serine, an amino acid with highly similar properties. This amino acid position is not well conserved in available vertebrate species, and serine is the reference amino acid in other vertebrate species. In addition, this alteration is predicted to be tolerated by in silico analysis. Since supporting evidence is limited at this time, the clinical significance of this alteration remains unclear.

Color Diagnostics, LLC DBA Color Health
Classification: Uncertain significance for Hereditary cancer-predisposing syndrome. Last evaluated: 2024-03-06. Review status: criteria provided, single submitter. Criteria: ACMG Guidelines, 2015. Collection method: clinical testing. Allele origin: germline.
Comment: This missense variant replaces asparagine with serine at codon 1071 of the ATM protein. Computational prediction suggests that this variant may not impact protein structure and function (internally defined REVEL score threshold <= 0.5, PMID: 27666373). To our knowledge, functional studies have not been reported for this variant. This variant has not been reported in individuals affected with hereditary cancer in the literature. This variant has been identified in 8/282764 chromosomes in the general population by the Genome Aggregation Database (gnomAD). The available evidence is insufficient to determine the role of this variant in disease conclusively. Therefore, this variant is classified as a Variant of Uncertain Significance.

Baylor Genetics
Classification: Uncertain significance for Familial cancer of breast. Last evaluated: 2023-11-17. Review status: criteria provided, single submitter. Criteria: ACMG Guidelines, 2015. Collection method: clinical testing. Allele origin: unknown.

GeneDx
Classification: Uncertain significance. Last evaluated: 2021-07-07. Review status: criteria provided, single submitter. Criteria: GeneDx Variant Classification Process June 2021. Collection method: clinical testing. Allele origin: germline. Affected: yes.
Comment: In silico analysis supports that this missense variant does not alter protein structure/function; In silico analysis, which includes splice predictors and evolutionary conservation, suggests this variant may impact gene splicing. In the absence of RNA/functional studies, the actual effect of this sequence change is unknown.; Has not been previously published as pathogenic or benign to our knowledge; This variant is associated with the following publications: (PMID: 27535533)

Illumina Laboratory Services, Illumina
Classification: Uncertain significance for Ataxia-telangiectasia syndrome. Last evaluated: 2018-01-12. Review status: criteria provided, single submitter. Criteria: ICSL Variant Classification Criteria 13 December 2019. Collection method: clinical testing. Allele origin: germline.

Natera, Inc.
Classification: Uncertain significance for Ataxia-telangiectasia. Last evaluated: 2020-10-12. Review status: no assertion criteria provided. Collection method: clinical testing. Allele origin: germline. Not counted in ClinVar's aggregate classification.